The following is an entry in ClinVar:

NM_133462.4(TTC14):c.287-3dup

Gene: TTC14 (tetratricopeptide repeat domain 14; plus strand). Cytogenetic location: 3q26.33.
Variant type: Duplication.
Coding change: c.287-3dup on transcript NM_133462.4 (MANE Select); 3 bases into the intron before coding-DNA position 287, one base duplicated (T; older notation c.287-3dupT).
Molecular consequence: intron variant.
Genome position (GRCh38, 1-based): chr3:180,603,121, T duplicated; the last of 12 consecutive T bases (chr3:180,603,110-180,603,121); duplicating any one gives the same sequence. VCF-style (leftmost placement, unchanged base first): chr3-180603109-A-AT. GRCh37 (hg19) VCF-style: chr3-180320897-A-AT.
Other names: c.287-3dup (NM_001288582.2, NM_001042601.3).
Identifiers: ClinVar variation 3059709 (VCV003059709.2), dbSNP rs557781816, ClinGen allele CA2715011.

ClinVar aggregate classification (germline): Benign (0 of 4 stars; one submission).

Conditions:
TTC14-related disorder. Also called: TTC14-related condition.

Submission:

PreventionGenetics, part of Exact Sciences
Classification: Benign for TTC14-related condition. Last evaluated: 2019-09-23. Review status: no assertion criteria provided. Collection method: clinical testing. Allele origin: germline.
Comment: This variant is classified as benign based on ACMG/AMP sequence variant interpretation guidelines (Richards et al. 2015 PMID: 25741868, with internal and published modifications).